The following is an entry in ClinVar:

ClinVar aggregate classification (germline): Uncertain significance (1 of 4 stars; one submission).

Conditions:
Luscan-Lumish syndrome. Identifiers: Orphanet 597738, MedGen C4085873, MONDO:0014791, OMIM 616831.

Allele frequency attached by ClinVar (database versions not stated): gnomAD exomes 0.00001; ExAC 0.00002; gnomAD 0.00003 and 0.00004; TOPMed 0.00003.
gnomAD v4.1: 17 of 1,614,126 alleles (0.0011%); highest among the groups gnomAD compares: African/African-American, 0.0067%; no homozygotes.

Submission:

Labcorp Genetics (formerly Invitae), Labcorp
Classification: Uncertain significance for Luscan-Lumish syndrome. Last evaluated: 2023-06-16. Review status: criteria provided, single submitter. Criteria: Invitae Variant Classification Sherloc (09022015). Collection method: clinical testing. Allele origin: germline.
Comment: This variant is present in population databases (rs746928112, gnomAD 0.004%). This sequence change replaces valine, which is neutral and non-polar, with isoleucine, which is neutral and non-polar, at codon 2254 of the SETD2 protein (p.Val2254Ile). This variant has not been reported in the literature in individuals affected with SETD2-related conditions. In summary, the available evidence is currently insufficient to determine the role of this variant in disease. Therefore, it has been classified as a Variant of Uncertain Significance. An algorithm developed to predict the effect of missense changes on protein structure and function (PolyPhen-2) suggests that this variant is likely to be disruptive. ClinVar contains an entry for this variant (Variation ID: 967489).

NM_014159.7(SETD2):c.6760G>A (p.Val2254Ile)

Gene: SETD2 (SET domain containing 2, histone lysine methyltransferase; minus strand). Cytogenetic location: 3p21.31.
Variant type: single nucleotide variant.
Coding change: c.6760G>A on transcript NM_014159.7 (MANE Select); coding-DNA position 6760, G replaced by A.
Protein change: p.Val2254Ile; replaces valine 2254 with isoleucine.
Molecular consequence: missense variant. On other transcripts: non-coding transcript variant (1).
Genome position (GRCh38, 1-based): chr3:47,057,024, C>T on the plus strand (G>A on the coding strand, the complement: SETD2 is on the minus strand). VCF-style: chr3-47057024-C-T. GRCh37 (hg19) VCF-style: chr3-47098514-C-T.
Other names: c.6628G>A, p.Val2210Ile (NM_001349370.3); short protein forms V2210I, V2254I.
Identifiers: ClinVar variation 967489 (VCV000967489.6), dbSNP rs746928112, ClinGen allele CA2362668.